The following is an entry in ClinVar:

ClinVar aggregate classification (germline): Uncertain significance. Review status: criteria provided, multiple submitters, no conflicts (2 of 4 stars). 2 submissions from 2 submitters: Uncertain significance (2). Last evaluated 2024-11-07.

Conditions:
Inborn genetic diseases. Identifiers: MedGen C0950123, MeSH D030342.

Allele frequency attached by ClinVar (database versions not stated): gnomAD 0.00001; TOPMed 0.00002; gnomAD exomes 0.00003 and 0.00007.

Submissions (2):

Ambry Genetics
Classification: Uncertain significance for Inborn genetic diseases. Last evaluated: 2024-11-07. Review status: criteria provided, single submitter. Criteria: Ambry Variant Classification Scheme 2023. Collection method: clinical testing. Allele origin: germline.

Labcorp Genetics (formerly Invitae), Labcorp
Classification: Uncertain significance. Last evaluated: 2022-07-15. Review status: criteria provided, single submitter. Criteria: Invitae Variant Classification Sherloc (09022015). Collection method: clinical testing. Allele origin: germline.
Comment: This sequence change replaces proline, which is neutral and non-polar, with leucine, which is neutral and non-polar, at codon 82 of the OSTM1 protein (p.Pro82Leu). This variant is present in population databases (rs764482905, gnomAD 0.007%). This variant has not been reported in the literature in individuals affected with OSTM1-related conditions. ClinVar contains an entry for this variant (Variation ID: 1371828). Algorithms developed to predict the effect of missense changes on protein structure and function are either unavailable or do not agree on the potential impact of this missense change (SIFT: "Tolerated"; PolyPhen-2: "Probably Damaging"; Align-GVGD: "Class C0"). In summary, the available evidence is currently insufficient to determine the role of this variant in disease. Therefore, it has been classified as a Variant of Uncertain Significance.

NM_014028.4(OSTM1):c.245C>T (p.Pro82Leu)

Gene: OSTM1 (osteoclastogenesis associated transmembrane protein 1; minus strand). Cytogenetic location: 6q21.
Variant type: single nucleotide variant.
Coding change: c.245C>T on transcript NM_014028.4 (MANE Select); coding-DNA position 245, C replaced by T.
Protein change: p.Pro82Leu; replaces proline 82 with leucine.
Molecular consequence: missense variant.
Genome position (GRCh38, 1-based): chr6:108,074,407, G>A on the plus strand (C>T on the coding strand, the complement: OSTM1 is on the minus strand). VCF-style: chr6-108074407-G-A. GRCh37 (hg19) VCF-style: chr6-108395611-G-A.
Other names: c.245C>T (NM_014028.3); short protein forms P82L.
Identifiers: ClinVar variation 1371828 (VCV001371828.4), dbSNP rs764482905, ClinGen allele CA3948107.